The following is an entry in ClinVar:

ClinVar aggregate classification (germline): Uncertain significance (1 of 4 stars; one submission).

Conditions:
Melanoma, cutaneous malignant, susceptibility to, 5. Also called: Cutaneous malignant melanoma 5. Identifiers: Orphanet 618, MedGen C2751295, MONDO:0013133, OMIM 613099.

Allele frequency attached by ClinVar (database versions not stated): ExAC 0.00001; gnomAD exomes 0.00001 and 0.00002; TOPMed 0.00001; gnomAD 0.00002.

Submission:

Labcorp Genetics (formerly Invitae), Labcorp
Classification: Uncertain significance for Melanoma, cutaneous malignant, susceptibility to, 5. Last evaluated: 2024-11-05. Review status: criteria provided, single submitter. Criteria: Invitae Variant Classification Sherloc (09022015). Collection method: clinical testing. Allele origin: germline.
Comment: This sequence change replaces valine, which is neutral and non-polar, with alanine, which is neutral and non-polar, at codon 51 of the MC1R protein (p.Val51Ala). This variant is present in population databases (rs766080391, gnomAD 0.005%). This missense change has been observed in individual(s) with malignant melanoma (PMID: 19338054). ClinVar contains an entry for this variant (Variation ID: 1360909). Invitae Evidence Modeling of protein sequence and biophysical properties (such as structural, functional, and spatial information, amino acid conservation, physicochemical variation, residue mobility, and thermodynamic stability) indicates that this missense variant is not expected to disrupt MC1R protein function with a negative predictive value of 80%. Experimental studies have shown that this missense change affects MC1R function (PMID: 19338054). In summary, the available evidence is currently insufficient to determine the role of this variant in disease. Therefore, it has been classified as a Variant of Uncertain Significance.

Literature cited by the submitters: PubMed 19338054.

NM_002386.4(MC1R):c.152T>C (p.Val51Ala)

Gene: MC1R (melanocortin 1 receptor; plus strand). Cytogenetic location: 16q24.3.
Variant type: single nucleotide variant.
Coding change: c.152T>C on transcript NM_002386.4 (MANE Select); coding-DNA position 152, T replaced by C.
Protein change: p.Val51Ala; replaces valine 51 with alanine.
Molecular consequence: missense variant.
Genome position (GRCh38, 1-based): chr16:89,919,410, T>C. VCF-style: chr16-89919410-T-C. GRCh37 (hg19) VCF-style: chr16-89985818-T-C.
Other names: short protein forms V51A.
Identifiers: ClinVar variation 1360909 (VCV001360909.8), dbSNP rs766080391, ClinGen allele CA8255503.